The following is an entry in ClinVar:

ClinVar aggregate classification (germline): Likely benign. Review status: criteria provided, multiple submitters, no conflicts (2 of 4 stars). 3 submissions from 3 submitters: Likely benign (2). 1 of the submissions does not count toward it. Last evaluated 2026-01-05.

Conditions:
JAK1-related disorder. Also called: JAK1-related condition.

Allele frequency attached by ClinVar (database versions not stated): gnomAD exomes below 0.00001 and 0.00003; ExAC 0.00007; gnomAD 0.00009; TOPMed 0.00013; ESP Exome Variant Server 0.00024.
gnomAD v4.1: 43 of 1,614,072 alleles (0.0027%); highest among the groups gnomAD compares: African/African-American, 0.017%; no homozygotes.

Submissions (3):

Labcorp Genetics (formerly Invitae), Labcorp
Classification: Likely benign. Last evaluated: 2026-01-05. Review status: criteria provided, single submitter. Criteria: Invitae Variant Classification Sherloc (09022015). Collection method: clinical testing. Allele origin: germline.

Blueprint Genetics
Classification: Likely benign. Last evaluated: 2024-09-03. Review status: criteria provided, single submitter. Criteria: ACMG Guidelines, 2015. Collection method: clinical testing. Allele origin: germline.

PreventionGenetics, part of Exact Sciences
Classification: Likely benign for JAK1-related condition. Last evaluated: 2024-05-16. Review status: no assertion criteria provided. Collection method: clinical testing. Allele origin: germline. Not counted in ClinVar's aggregate classification.
Comment: This variant is classified as likely benign based on ACMG/AMP sequence variant interpretation guidelines (Richards et al. 2015 PMID: 25741868, with internal and published modifications).

NM_002227.4(JAK1):c.1357T>C (p.Leu453=)

Gene: JAK1 (Janus kinase 1; minus strand). Cytogenetic location: 1p31.3.
Variant type: single nucleotide variant.
Coding change: c.1357T>C on transcript NM_002227.4 (MANE Select); coding-DNA position 1357, T replaced by C.
Protein change: p.Leu453=; no amino-acid change (leucine 453 retained).
Molecular consequence: synonymous variant.
Genome position (GRCh38, 1-based): chr1:64,857,757, A>G on the plus strand (T>C on the coding strand, the complement: JAK1 is on the minus strand). VCF-style: chr1-64857757-A-G. GRCh37 (hg19) VCF-style: chr1-65323440-A-G.
Other names: c.1357T>C, p.Leu453= (NM_001320923.2, NM_001321852.2, NM_001321853.2 and 4 more transcripts); c.1357T>C (NM_002227.3).
Identifiers: ClinVar variation 1122301 (VCV001122301.12), dbSNP rs371739901, ClinGen allele CA892952.
Genomic context (GRCh38, chr1:64,857,757, plus strand): 5'-CAAAGTCGGTGCAGCTCCACCTCAGCACGTACATCCCCTCCTCGCTTCCTTCTTGCCGCA[A>G]TTTATTGATGGCGTATTCTGTACTAGAGGGAGAAGTAGGCAAAGGGAGAAAGAGCTCACA-3'
Protein context (NP_002218.2, residues 443-463): PICTEYAINK[Leu453=]RQEGSEEGMY